The following is an entry in ClinVar:

ClinVar aggregate classification (germline): Likely benign. Review status: criteria provided, multiple submitters, no conflicts (2 of 4 stars). 3 submissions from 3 submitters: Likely benign (3). Last evaluated 2025-03-26.

Conditions:
Familial hypobetalipoproteinemia 1. Also called: Hypobetalipoproteinemia, normotriglyceridemic; Acanthocytosis with hypobetalipoproteinemia; APOB-Related Familial Hypobetalipoproteinemia. Identifiers: MedGen C4551990, MONDO:0014252, OMIM 615558.
Hypercholesterolemia, autosomal dominant, type B (FHCL2). Also called: Familial Hypercholesterolemia Type B; APOLIPOPROTEIN B-100, FAMILIAL DEFECTIVE; APOLIPOPROTEIN B-100, FAMILIAL LIGAND-DEFECTIVE; Familial hypercholesterolemia 2; Hyperlipoproteinemia Type IIb; APOB-Related Familial Hypercholesterolemia, Autosomal Dominant. Identifiers: MedGen C1704417, MONDO:0007751, OMIM 144010.
Familial hypercholesterolemia. Also called: Familial hypercholesterolemias; Familial hypercholesterolaemia. Identifiers: MedGen C0020445, MONDO:0005439.

Allele frequency attached by ClinVar (database versions not stated): TOPMed below 0.00001; gnomAD 0.00001; gnomAD exomes 0.00001.
gnomAD v4.1: 7 of 1,613,890 alleles (0.00043%); highest among the groups gnomAD compares: Middle Eastern, 0.016%; no homozygotes.

Submissions (3):

Labcorp Genetics (formerly Invitae), Labcorp
Classification: Likely benign for Familial hypobetalipoproteinemia 1; Hypercholesterolemia, autosomal dominant, type B. Last evaluated: 2025-03-26. Review status: criteria provided, single submitter. Criteria: Invitae Variant Classification Sherloc (09022015). Collection method: clinical testing. Allele origin: germline.

Blueprint Genetics
Classification: Likely benign. Last evaluated: 2024-03-02. Review status: criteria provided, single submitter. Criteria: ACMG Guidelines, 2015. Collection method: clinical testing. Allele origin: germline.

GENinCode PLC
Classification: Likely benign for Familial hypercholesterolemia. Last evaluated: 2023-05-05. Review status: criteria provided, single submitter. Criteria: ACMG Guidelines, 2015. Collection method: clinical testing. Allele origin: germline.
Comment: This is a synonymous (silent) variant that is not predicted by SpliceAI to impact splicing. In addition, it occurs at a nucleotide that is not conserved. Therefore this variant has been classified as Likely Benign (BP4, BP7).

NM_000384.3(APOB):c.9975C>A (p.Thr3325=)

Gene: APOB (apolipoprotein B; minus strand). Cytogenetic location: 2p24.1.
Variant type: single nucleotide variant.
Coding change: c.9975C>A on transcript NM_000384.3 (MANE Select); coding-DNA position 9975, C replaced by A.
Protein change: p.Thr3325=; no amino-acid change (threonine 3325 retained).
Molecular consequence: synonymous variant.
Genome position (GRCh38, 1-based): chr2:21,006,893, G>T on the plus strand (C>A on the coding strand, the complement: APOB is on the minus strand). VCF-style: chr2-21006893-G-T. GRCh37 (hg19) VCF-style: chr2-21229765-G-T.
Identifiers: ClinVar variation 544090 (VCV000544090.15), dbSNP rs1226284347, ClinGen allele CA425344057.